The following is an entry in ClinVar:

NM_005228.5(EGFR):c.875T>G (p.Val292Gly)

Gene: EGFR (epidermal growth factor receptor; plus strand). Cytogenetic location: 7p11.2.
Variant type: single nucleotide variant.
Coding change: c.875T>G on transcript NM_005228.5 (MANE Select); coding-DNA position 875, T replaced by G.
Protein change: p.Val292Gly; replaces valine 292 with glycine.
Molecular consequence: missense variant. On other transcripts: intron variant (1).
Genome position (GRCh38, 1-based): chr7:55,154,138, T>G. VCF-style: chr7-55154138-T-G. GRCh37 (hg19) VCF-style: chr7-55221831-T-G.
Other names: c.740T>G, p.Val247Gly (NM_001346897.2, NM_001346899.2); c.875T>G, p.Val292Gly (NM_001346898.2, NM_201282.2, NM_201283.2 and 1 more transcripts); c.716T>G, p.Val239Gly (NM_001346900.2); c.89-1692T>G (NM_001346941.2); short protein forms V239G, V247G, V292G.
Identifiers: ClinVar variation 4639653 (VCV004639653.1).

ClinVar aggregate classification (germline): Uncertain significance (1 of 4 stars; one submission).

Conditions:
Hereditary cancer-predisposing syndrome. Also called: Neoplastic Syndromes, Hereditary; Tumor predisposition; Hereditary Cancer Syndrome; Hereditary neoplastic syndrome. Identifiers: Orphanet 140162, MedGen C0027672, MeSH D009386, MONDO:0015356.

Submission:

Ambry Genetics
Classification: Uncertain significance for Hereditary cancer-predisposing syndrome. Last evaluated: 2025-12-01. Review status: criteria provided, single submitter. Criteria: Ambry Variant Classification Scheme 2023. Collection method: clinical testing. Allele origin: germline.
Comment: The p.V292G variant (also known as c.875T>G), located in coding exon 7 of the EGFR gene, results from a T to G substitution at nucleotide position 875. The valine at codon 292 is replaced by glycine, an amino acid with dissimilar properties. This amino acid position is highly conserved in available vertebrate species. In addition, this alteration is predicted to be deleterious by in silico analysis. Based on the available evidence, the clinical significance of this variant remains unclear.